The following is an entry in ClinVar:

NM_000426.4(LAMA2):c.6345C>T (p.Pro2115=)

Gene: LAMA2 (laminin subunit alpha 2; plus strand). Cytogenetic location: 6q22.33.
Variant type: single nucleotide variant.
Coding change: c.6345C>T on transcript NM_000426.4 (MANE Select); coding-DNA position 6345, C replaced by T.
Protein change: p.Pro2115=; no amino-acid change (proline 2115 retained).
Molecular consequence: synonymous variant.
Genome position (GRCh38, 1-based): chr6:129,445,737, C>T. VCF-style: chr6-129445737-C-T. GRCh37 (hg19) VCF-style: chr6-129766882-C-T.
Other names: c.6345C>T, p.Pro2115= (NM_001079823.2).
Identifiers: ClinVar variation 289928 (VCV000289928.15), dbSNP rs200364660, ClinGen allele CA3994246.

ClinVar aggregate classification (germline): Conflicting classifications of pathogenicity. Review status: criteria provided, conflicting classifications (1 of 4 stars). 4 submissions from 4 submitters: Uncertain significance (1); Likely benign (3). Last evaluated 2025-12-02.

Conditions:
LAMA2-related muscular dystrophy (LAMA2-RD). Also called: Laminin alpha 2-related dystrophy. Identifiers: MedGen C5679788, MONDO:0100228.

Allele frequency attached by ClinVar (database versions not stated): ExAC 0.00001; gnomAD exomes 0.00001; gnomAD 0.00007 and 0.00008; TOPMed 0.00011; 1000 Genomes Project 30x 0.00016; 1000 Genomes Project 0.00020.
gnomAD v4.1: 33 of 1,613,592 alleles (0.002%); highest among the groups gnomAD compares: African/African-American, 0.032%; no homozygotes.

Submissions (4):

Labcorp Genetics (formerly Invitae), Labcorp
Classification: Likely benign for LAMA2-related muscular dystrophy. Last evaluated: 2025-12-02. Review status: criteria provided, single submitter. Criteria: Invitae Variant Classification Sherloc (09022015). Collection method: clinical testing. Allele origin: germline.

Blueprint Genetics
Classification: Likely benign. Last evaluated: 2023-03-27. Review status: criteria provided, single submitter. Criteria: ACMG Guidelines, 2015. Collection method: clinical testing. Allele origin: germline.

Eurofins Ntd Llc (ga)
Classification: Uncertain significance. Last evaluated: 2016-08-24. Review status: criteria provided, single submitter. Criteria: EGL Classification Definitions 2015. Collection method: clinical testing. Allele origin: germline. Observed: 1 variant allele, 1 heterozygote.

GeneDx
Classification: Likely benign. Last evaluated: 2016-03-21. Review status: criteria provided, single submitter. Criteria: GeneDx Variant Classification (06012015). Collection method: clinical testing. Allele origin: germline. Affected: yes.
Comment: This variant is considered likely benign or benign based on one or more of the following criteria: it is a conservative change, it occurs at a poorly conserved position in the protein, it is predicted to be benign by multiple in silico algorithms, and/or has population frequency not consistent with disease.